The following is an entry in ClinVar:

ClinVar aggregate classification (germline): Uncertain significance. Review status: criteria provided, multiple submitters, no conflicts (2 of 4 stars). 3 submissions from 3 submitters: Uncertain significance (3). Last evaluated 2025-11-02.

Conditions:
Muscular dystrophy-dystroglycanopathy (congenital with impaired intellectual development), type B, 3. Also called: Muscular dystrophy-dystroglycanopathy (congenital with intellectual disability), type B3; MUSCULAR DYSTROPHY, CONGENITAL, POMGNT1-RELATED. Identifiers: MedGen C3150412, MONDO:0013155, OMIM 613151.
Autosomal recessive limb-girdle muscular dystrophy type 2O. Also called: MUSCULAR DYSTROPHY-DYSTROGLYCANOPATHY, LIMB-GIRDLE, POMGNT1-RELATED; Limb-Girdle Muscular Dystrophy Type 3C; MUSCULAR DYSTROPHY-DYSTROGLYCANOPATHY (LIMB-GIRDLE), TYPE C, 3. Identifiers: Orphanet 206564, MedGen C3150417, MONDO:0013161, OMIM 613157.

Allele frequency attached by ClinVar (database versions not stated): gnomAD exomes 0.00001.

Submissions (3):

Labcorp Genetics (formerly Invitae), Labcorp
Classification: Uncertain significance for Autosomal recessive limb-girdle muscular dystrophy type 2O; Muscular dystrophy-dystroglycanopathy (congenital with impaired intellectual development), type B, 3. Last evaluated: 2025-11-02. Review status: criteria provided, single submitter. Criteria: Invitae Variant Classification Sherloc (09022015). Collection method: clinical testing. Allele origin: germline.
Comment: This sequence change replaces threonine, which is neutral and polar, with methionine, which is neutral and non-polar, at codon 151 of the POMGNT1 protein (p.Thr151Met). This variant is present in population databases (no rsID available, gnomAD 0.003%). This variant has not been reported in the literature in individuals affected with POMGNT1-related conditions. ClinVar contains an entry for this variant (Variation ID: 290156). Invitae Evidence Modeling of protein sequence and biophysical properties (such as structural, functional, and spatial information, amino acid conservation, physicochemical variation, residue mobility, and thermodynamic stability) has been performed for this missense variant. However, the output from this modeling did not meet the statistical confidence thresholds required to predict the impact of this variant on POMGNT1 protein function. In summary, the available evidence is currently insufficient to determine the role of this variant in disease. Therefore, it has been classified as a Variant of Uncertain Significance.

Blueprint Genetics
Classification: Uncertain significance. Last evaluated: 2024-01-12. Review status: criteria provided, single submitter. Criteria: ACMG Guidelines, 2015. Collection method: clinical testing. Allele origin: germline.

Eurofins Ntd Llc (ga)
Classification: Uncertain significance. Last evaluated: 2016-08-10. Review status: criteria provided, single submitter. Criteria: EGL Classification Definitions 2015. Collection method: clinical testing. Allele origin: germline. Observed: 1 variant allele, 1 heterozygote.

NM_017739.4(POMGNT1):c.452C>T (p.Thr151Met)

Genes: POMGNT1 (protein O-linked mannose N-acetylglucosaminyltransferase 1 (beta 1,2-); minus strand), TSPAN1 (tetraspanin 1; plus strand). Cytogenetic location: 1p34.1.
Variant type: single nucleotide variant.
Coding change: c.452C>T on transcript NM_017739.4 (MANE Select); coding-DNA position 452, C replaced by T.
Protein change: p.Thr151Met; replaces threonine 151 with methionine.
Molecular consequence: missense variant.
Genome position (GRCh38, 1-based): chr1:46,195,893, G>A on the plus strand (C>T on the coding strand, the complement: POMGNT1 is on the minus strand). VCF-style: chr1-46195893-G-A. GRCh37 (hg19) VCF-style: chr1-46661565-G-A.
Other names: c.452C>T, p.Thr151Met (NM_001243766.2, NM_001410783.1); c.386C>T, p.Thr129Met (NM_001290129.3); c.23C>T, p.Thr8Met (NM_001290130.2); short protein forms T151M, T129M, T8M.
Identifiers: ClinVar variation 290156 (VCV000290156.8), dbSNP rs886044363, ClinGen allele CA10606668.